The following is an entry in ClinVar:

ClinVar aggregate classification (germline): Uncertain significance (1 of 4 stars; one submission).

Submission:

Labcorp Genetics (formerly Invitae), Labcorp
Classification: Uncertain significance. Last evaluated: 2022-03-14. Review status: criteria provided, single submitter. Criteria: Invitae Variant Classification Sherloc (09022015). Collection method: clinical testing. Allele origin: germline.
Comment: This variant is not present in population databases (gnomAD no frequency). This sequence change replaces glycine, which is neutral and non-polar, with alanine, which is neutral and non-polar, at codon 655 of the COL11A1 protein (p.Gly655Ala). This variant has not been reported in the literature in individuals affected with COL11A1-related conditions. In summary, the available evidence is currently insufficient to determine the role of this variant in disease. Therefore, it has been classified as a Variant of Uncertain Significance. Advanced modeling of protein sequence and biophysical properties (such as structural, functional, and spatial information, amino acid conservation, physicochemical variation, residue mobility, and thermodynamic stability) performed at Invitae indicates that this missense variant is expected to disrupt COL11A1 protein function.

NM_001854.4(COL11A1):c.1964G>C (p.Gly655Ala)

Gene: COL11A1 (collagen type XI alpha 1 chain; minus strand). Cytogenetic location: 1p21.1.
Variant type: single nucleotide variant.
Coding change: c.1964G>C on transcript NM_001854.4 (MANE Select); coding-DNA position 1964, G replaced by C.
Protein change: p.Gly655Ala; replaces glycine 655 with alanine.
Molecular consequence: missense variant. On other transcripts: non-coding transcript variant (1).
Genome position (GRCh38, 1-based): chr1:103,003,249, C>G on the plus strand (G>C on the coding strand, the complement: COL11A1 is on the minus strand). VCF-style: chr1-103003249-C-G. GRCh37 (hg19) VCF-style: chr1-103468805-C-G.
Other names: c.1616G>C, p.Gly539Ala (NM_001168249.1, NM_080630.4); c.1847G>C, p.Gly616Ala (NM_001190709.2); c.2000G>C, p.Gly667Ala (NM_080629.3); short protein forms G539A, G655A, G616A, G667A.
Identifiers: ClinVar variation 2111631 (VCV002111631.4), dbSNP rs2525370455, ClinGen allele CA341171749.